The following is an entry in ClinVar:

ClinVar aggregate classification (germline): Uncertain significance. Review status: criteria provided, multiple submitters, no conflicts (2 of 4 stars). 3 submissions from 3 submitters: Uncertain significance (3). Last evaluated 2025-07-13.

Conditions:
Dilated cardiomyopathy 1JJ (CMD1JJ). Identifiers: Orphanet 154, MedGen C3808935, MONDO:0014095, OMIM 615235.
Cardiovascular phenotype. Identifiers: MedGen CN230736.

Allele frequency attached by ClinVar (database versions not stated): ExAC 0.00001; gnomAD exomes 0.00001; gnomAD 0.00005; TOPMed 0.00005.
gnomAD v4.1: 20 of 1,612,596 alleles (0.0012%); highest among the groups gnomAD compares: African/African-American, 0.013%; no homozygotes.

Submissions (3):

Labcorp Genetics (formerly Invitae), Labcorp
Classification: Uncertain significance for Dilated cardiomyopathy 1JJ. Last evaluated: 2025-07-13. Review status: criteria provided, single submitter. Criteria: Invitae Variant Classification Sherloc (09022015). Collection method: clinical testing. Allele origin: germline.
Comment: This sequence change replaces arginine, which is basic and polar, with tryptophan, which is neutral and slightly polar, at codon 507 of the LAMA4 protein (p.Arg507Trp). This variant is present in population databases (rs782767592, gnomAD 0.008%). This variant has not been reported in the literature in individuals affected with LAMA4-related conditions. ClinVar contains an entry for this variant (Variation ID: 1774372). Invitae Evidence Modeling of protein sequence and biophysical properties (such as structural, functional, and spatial information, amino acid conservation, physicochemical variation, residue mobility, and thermodynamic stability) indicates that this missense variant is not expected to disrupt LAMA4 protein function with a negative predictive value of 80%. In summary, the available evidence is currently insufficient to determine the role of this variant in disease. Therefore, it has been classified as a Variant of Uncertain Significance.

Ambry Genetics
Classification: Uncertain significance for Cardiovascular phenotype. Last evaluated: 2024-05-12. Review status: criteria provided, single submitter. Criteria: Ambry Variant Classification Scheme 2023. Collection method: clinical testing. Allele origin: germline.
Comment: The p.R507W variant (also known as c.1519C>T), located in coding exon 11 of the LAMA4 gene, results from a C to T substitution at nucleotide position 1519. The arginine at codon 507 is replaced by tryptophan, an amino acid with dissimilar properties. This amino acid position is well conserved in available vertebrate species. In addition, this alteration is predicted to be tolerated by in silico analysis. Since supporting evidence is limited at this time, the clinical significance of this alteration remains unclear.

GeneDx
Classification: Uncertain significance. Last evaluated: 2023-04-28. Review status: criteria provided, single submitter. Criteria: GeneDx Variant Classification Process June 2021. Collection method: clinical testing. Allele origin: germline. Affected: yes.
Comment: Not observed at significant frequency in large population cohorts (gnomAD); In silico analysis is inconclusive as to whether the variant alters gene splicing. In the absence of RNA/functional studies, the actual effect of this sequence change is unknown.; In silico analysis supports that this missense variant has a deleterious effect on protein structure/function; Has not been previously published as pathogenic or benign to our knowledge

NM_001105206.3(LAMA4):c.1540C>T (p.Arg514Trp)

Gene: LAMA4 (laminin subunit alpha 4; minus strand). Cytogenetic location: 6q21.
Variant type: single nucleotide variant.
Coding change: c.1540C>T on transcript NM_001105206.3 (MANE Select); coding-DNA position 1540, C replaced by T.
Protein change: p.Arg514Trp; replaces arginine 514 with tryptophan.
Molecular consequence: missense variant.
Genome position (GRCh38, 1-based): chr6:112,172,622, G>A on the plus strand (C>T on the coding strand, the complement: LAMA4 is on the minus strand). VCF-style: chr6-112172622-G-A. GRCh37 (hg19) VCF-style: chr6-112493824-G-A.
Other names: c.1519C>T, p.Arg507Trp (NM_001105207.3, NM_002290.5); short protein forms R514W, R507W.
Identifiers: ClinVar variation 1774372 (VCV001774372.9), dbSNP rs782767592, ClinGen allele CA3965760.
Genomic context (GRCh38, chr6:112,172,622, plus strand): 5'-CATCACACTGCTGATGCTGAAATGCATTGATGGTGAGTGTCCGCTGTACCTCATGGTCCC[G>A]CTGCCTGGCTGCTGTGGCCCTGTTCATGTCTTCGGCATCCCTGACATAGTTAAGGGCCTG-3'
Protein context (NP_001098676.2, residues 504-524): DMNRATAARQ[Arg514Trp]DHEKQQERVR